The following is an entry in ClinVar:

ClinVar aggregate classification (germline): Likely benign. Review status: criteria provided, multiple submitters, no conflicts (2 of 4 stars). 3 submissions from 3 submitters: Likely benign (3). Last evaluated 2025-08-01.

Conditions:
Hereditary cancer-predisposing syndrome. Also called: Hereditary Cancer Syndrome; Neoplastic Syndromes, Hereditary; Hereditary neoplastic syndrome; Tumor predisposition. Identifiers: Orphanet 140162, MedGen C0027672, MeSH D009386, MONDO:0015356.
Medulloblastoma (MDB). Also called: Medulloblastoma, somatic; MEDULLOBLASTOMA PREDISPOSITION SYNDROME. Identifiers: Orphanet 616, MedGen C0025149, MeSH D008527, MONDO:0007959, OMIM 155255, HP:0002885.
Gorlin syndrome. Also called: Nevoid Basal Cell Carcinoma Syndrome; Basal cell nevus syndrome. Identifiers: Orphanet 377, MedGen C0004779, MONDO:0007187.

gnomAD v4.1: 2 of 1,611,400 alleles (0.00012%); highest among the groups gnomAD compares: Non-Finnish European, 0.000085%; no homozygotes.

Submissions (3):

CeGaT Center for Human Genetics Tuebingen
Classification: Likely benign. Last evaluated: 2025-08-01. Review status: criteria provided, single submitter. Criteria: CeGaT Center For Human Genetics Tuebingen Variant Classification Criteria Version 2. Collection method: clinical testing. Allele origin: germline. Affected: yes. Observed: 1 variant allele.
Comment: SUFU: BP4, BP7

Labcorp Genetics (formerly Invitae), Labcorp
Classification: Likely benign for Gorlin syndrome; Medulloblastoma. Last evaluated: 2024-04-29. Review status: criteria provided, single submitter. Criteria: Invitae Variant Classification Sherloc (09022015). Collection method: clinical testing. Allele origin: germline.

Ambry Genetics
Classification: Likely benign for Hereditary cancer-predisposing syndrome. Last evaluated: 2021-01-22. Review status: criteria provided, single submitter. Criteria: Ambry Variant Classification Scheme 2023. Collection method: clinical testing. Allele origin: germline.

NM_016169.4(SUFU):c.69C>T (p.Pro23=)

Genes: SUFU (SUFU negative regulator of hedgehog signaling; plus strand), LOC130004614 (ATAC-STARR-seq lymphoblastoid silent region 2764; plus strand). Cytogenetic location: 10q24.32.
Variant type: single nucleotide variant.
Coding change: c.69C>T on transcript NM_016169.4 (MANE Select); coding-DNA position 69, C replaced by T.
Protein change: p.Pro23=; no amino-acid change (proline 23 retained).
Molecular consequence: synonymous variant.
Genome position (GRCh38, 1-based): chr10:102,504,221, C>T. VCF-style: chr10-102504221-C-T. GRCh37 (hg19) VCF-style: chr10-104263978-C-T.
Other names: c.69C>T, p.Pro23= (NM_001178133.2).
Identifiers: ClinVar variation 726336 (VCV000726336.21), dbSNP rs1320688671, ClinGen allele CA471304828.